The following is an entry in ClinVar:

ClinVar aggregate classification (germline): Likely benign. Review status: criteria provided, multiple submitters, no conflicts (2 of 4 stars). 3 submissions from 3 submitters: Likely benign (3). Last evaluated 2026-01-05.

Allele frequency attached by ClinVar (database versions not stated): 1000 Genomes Project 30x 0.00109; 1000 Genomes Project 0.00120; TOPMed 0.00454; gnomAD 0.00489 and 0.00505; ESP Exome Variant Server 0.00692.
gnomAD v4.1: 12,005 of 1,613,034 alleles (0.74%); highest among the groups gnomAD compares: Non-Finnish European, 0.92%; 51 homozygotes.

Submissions (3):

Labcorp Genetics (formerly Invitae), Labcorp
Classification: Likely benign. Last evaluated: 2026-01-05. Review status: criteria provided, single submitter. Criteria: Invitae Variant Classification Sherloc (09022015). Collection method: clinical testing. Allele origin: germline.

CeGaT Center for Human Genetics Tuebingen
Classification: Likely benign. Last evaluated: 2023-03-01. Review status: criteria provided, single submitter. Criteria: CeGaT Center For Human Genetics Tuebingen Variant Classification Criteria Version 2. Collection method: clinical testing. Allele origin: germline. Affected: yes. Observed: 1 variant allele.
Comment: CBX2: BP4, BS2

Breakthrough Genomics
Classification: Likely benign. Review status: criteria provided, single submitter. Criteria: ACMG Guidelines, 2015. Collection method: not provided. Allele origin: germline. Inheritance: Autosomal recessive inheritance. Affected: yes.

NM_005189.3(CBX2):c.1411C>G (p.Pro471Ala)

Gene: CBX2 (chromobox 2; plus strand). Cytogenetic location: 17q25.3.
Variant type: single nucleotide variant.
Coding change: c.1411C>G on transcript NM_005189.3 (MANE Select); coding-DNA position 1411, C replaced by G.
Protein change: p.Pro471Ala; replaces proline 471 with alanine.
Molecular consequence: missense variant.
Genome position (GRCh38, 1-based): chr17:79,784,854, C>G. VCF-style: chr17-79784854-C-G. GRCh37 (hg19) VCF-style: chr17-77758653-C-G.
Other names: short protein forms P471A.
Identifiers: ClinVar variation 773753 (VCV000773753.34), dbSNP rs141957173, ClinGen allele CA8811506.